The following is an entry in ClinVar:

ClinVar aggregate classification (germline): Uncertain significance (1 of 4 stars; one submission).

Allele frequency attached by ClinVar (database versions not stated): gnomAD exomes below 0.00001; TOPMed below 0.00001.
gnomAD v4.1: 2 of 1,613,812 alleles (0.00012%); highest among the groups gnomAD compares: Non-Finnish European, 0.000085%; no homozygotes.

Submission:

Labcorp Genetics (formerly Invitae), Labcorp
Classification: Uncertain significance. Last evaluated: 2021-08-10. Review status: criteria provided, single submitter. Criteria: Invitae Variant Classification Sherloc (09022015). Collection method: clinical testing. Allele origin: germline.
Comment: This variant has not been reported in the literature in individuals with SLC25A12-related disease. This variant is not present in population databases (ExAC no frequency). This sequence change replaces methionine with threonine at codon 90 of the SLC25A12 protein (p.Met90Thr). The methionine residue is moderately conserved and there is a moderate physicochemical difference between methionine and threonine. In summary, the available evidence is currently insufficient to determine the role of this variant in disease. Therefore, it has been classified as a Variant of Uncertain Significance. Algorithms developed to predict the effect of missense changes on protein structure and function are either unavailable or do not agree on the potential impact of this missense change (SIFT: "Deleterious"; PolyPhen-2: "Benign"; Align-GVGD: "Class C0").

NM_003705.5(SLC25A12):c.269T>C (p.Met90Thr)

Gene: SLC25A12 (solute carrier family 25 member 12; minus strand). Cytogenetic location: 2q31.1.
Variant type: single nucleotide variant.
Coding change: c.269T>C on transcript NM_003705.5 (MANE Select); coding-DNA position 269, T replaced by C.
Protein change: p.Met90Thr; replaces methionine 90 with threonine.
Molecular consequence: missense variant.
Genome position (GRCh38, 1-based): chr2:171,855,890, A>G on the plus strand (T>C on the coding strand, the complement: SLC25A12 is on the minus strand). VCF-style: chr2-171855890-A-G. GRCh37 (hg19) VCF-style: chr2-172712400-A-G.
Other names: short protein forms M90T.
Identifiers: ClinVar variation 647405 (VCV000647405.8), dbSNP rs1573986066, ClinGen allele CA349632372.
Genomic context (GRCh38, chr2:171,855,890, plus strand): 5'-TTACCAAATGTCACCTCTCCATTTCCACTCTTGTCAAACAACTGGAAAGCCACTATGAAC[A>G]TGGAATCTGGAGCACATAAAACAGATTCAAATGCCAAAAACTCTTGATAGGAGATCAACC-3'
Protein context (NP_003696.2, residues 80-100): FESVLCAPDS[Met90Thr]FIVAFQLFDK